The following is an entry in ClinVar:

NM_182914.3(SYNE2):c.353A>T (p.Asp118Val)

Gene: SYNE2 (spectrin repeat containing nuclear envelope protein 2; plus strand). Cytogenetic location: 14q23.2.
Variant type: single nucleotide variant.
Coding change: c.353A>T on transcript NM_182914.3 (MANE Select); coding-DNA position 353, A replaced by T.
Protein change: p.Asp118Val; replaces aspartic acid 118 with valine.
Molecular consequence: missense variant.
Genome position (GRCh38, 1-based): chr14:63,942,088, A>T. VCF-style: chr14-63942088-A-T. GRCh37 (hg19) VCF-style: chr14-64408806-A-T.
Other names: c.353A>T, p.Asp118Val (NM_015180.6); short protein forms D118V.
Identifiers: ClinVar variation 313484 (VCV000313484.17), dbSNP rs199860789, ClinGen allele CA7219088.

ClinVar aggregate classification (germline): Conflicting classifications of pathogenicity. Review status: criteria provided, conflicting classifications (1 of 4 stars). 4 submissions from 4 submitters: Uncertain significance (3); Benign (1). Last evaluated 2025-09-16.

Conditions:
Emery-Dreifuss muscular dystrophy 5, autosomal dominant (EDMD5). Also called: EMERY-DREIFUSS MUSCULAR DYSTROPHY 5. Identifiers: Orphanet 261, MedGen C2751805, MONDO:0013072, OMIM 612999.

Allele frequency attached by ClinVar (database versions not stated): gnomAD 0.00014 and 0.00015; TOPMed 0.00017; gnomAD exomes 0.00020 and 0.00021; ESP Exome Variant Server 0.00025; ExAC 0.00027.
gnomAD v4.1: 312 of 1,611,596 alleles (0.019%); highest among the groups gnomAD compares: Non-Finnish European, 0.025%; no homozygotes.

Submissions (4):

Labcorp Genetics (formerly Invitae), Labcorp
Classification: Uncertain significance for Emery-Dreifuss muscular dystrophy 5, autosomal dominant. Last evaluated: 2025-09-16. Review status: criteria provided, single submitter. Criteria: Invitae Variant Classification Sherloc (09022015). Collection method: clinical testing. Allele origin: germline.
Comment: This sequence change replaces aspartic acid, which is acidic and polar, with valine, which is neutral and non-polar, at codon 118 of the SYNE2 protein (p.Asp118Val). This variant is present in population databases (rs199860789, gnomAD 0.04%), and has an allele count higher than expected for a pathogenic variant. This variant has not been reported in the literature in individuals affected with SYNE2-related conditions. ClinVar contains an entry for this variant (Variation ID: 313484). An algorithm developed to predict the effect of missense changes on protein structure and function (PolyPhen-2) suggests that this variant is likely to be disruptive. In summary, the available evidence is currently insufficient to determine the role of this variant in disease. Therefore, it has been classified as a Variant of Uncertain Significance.

Ambry Genetics
Classification: Uncertain significance. Last evaluated: 2025-01-29. Review status: criteria provided, single submitter. Criteria: Ambry Variant Classification Scheme 2023. Collection method: clinical testing. Allele origin: germline.

Revvity Omics, Revvity
Classification: Uncertain significance for Emery-Dreifuss muscular dystrophy 5, autosomal dominant. Last evaluated: 2019-09-25. Review status: criteria provided, single submitter. Criteria: ACMG Guidelines, 2015. Collection method: clinical testing. Allele origin: germline.

Illumina Laboratory Services, Illumina
Classification: Benign for Emery-Dreifuss muscular dystrophy 5, autosomal dominant. Last evaluated: 2018-01-12. Review status: criteria provided, single submitter. Criteria: ICSL Variant Classification Criteria 13 December 2019. Collection method: clinical testing. Allele origin: germline.
Comment: This variant was observed in the ICSL laboratory as part of a predisposition screen in an ostensibly healthy population. It had not been previously curated by ICSL or reported in the Human Gene Mutation Database (HGMD: prior to June 1st, 2018), and was therefore a candidate for classification through an automated scoring system. Utilizing variant allele frequency, disease prevalence and penetrance estimates, and inheritance mode, an automated score was calculated to assess if this variant is too frequent to cause the disease. Based on the score and internal cut-off values, a variant classified as benign is not then subjected to further curation. The score for this variant resulted in a classification of benign for this disease.